The following is an entry in ClinVar:

ClinVar aggregate classification (germline): Uncertain significance (1 of 4 stars; one submission).

Conditions:
Hereditary cancer-predisposing syndrome. Also called: Tumor predisposition; Neoplastic Syndromes, Hereditary; Hereditary neoplastic syndrome; Hereditary Cancer Syndrome. Identifiers: Orphanet 140162, MedGen C0027672, MeSH D009386, MONDO:0015356.

Submission:

Color Diagnostics, LLC DBA Color Health
Classification: Uncertain significance for Hereditary cancer-predisposing syndrome. Last evaluated: 2023-12-05. Review status: criteria provided, single submitter. Criteria: ACMG Guidelines, 2015. Collection method: clinical testing. Allele origin: germline.
Comment: This missense variant replaces glutamic acid with aspartic acid at codon 351 of the STK11 protein. Computational prediction suggests that this variant may not impact protein structure and function (internally defined REVEL score threshold <= 0.5, PMID: 27666373). To our knowledge, functional studies have not been reported for this variant. This variant has not been reported in individuals affected with STK11-related disorders in the literature. This variant has not been identified in the general population by the Genome Aggregation Database (gnomAD). The available evidence is insufficient to determine the role of this variant in disease conclusively. Therefore, this variant is classified as a Variant of Uncertain Significance.

NM_000455.5(STK11):c.1053G>T (p.Glu351Asp)

Genes: STK11 (serine/threonine kinase 11; plus strand), LOC130062899 (ATAC-STARR-seq lymphoblastoid active region 13597; plus strand). Cytogenetic location: 19p13.3.
Variant type: single nucleotide variant.
Coding change: c.1053G>T on transcript NM_000455.5 (MANE Select); coding-DNA position 1053, G replaced by T.
Protein change: p.Glu351Asp; replaces glutamic acid 351 with aspartic acid.
Molecular consequence: missense variant.
Genome position (GRCh38, 1-based): chr19:1,223,117, G>T. VCF-style: chr19-1223117-G-T. GRCh37 (hg19) VCF-style: chr19-1223116-G-T.
Other names: short protein forms E351D.
Identifiers: ClinVar variation 631085 (VCV000631085.5), dbSNP rs1555739303, ClinGen allele CA402951831.